The following is an entry in ClinVar:

ClinVar aggregate classification (germline): Uncertain significance (1 of 4 stars; one submission).

Submission:

Labcorp Genetics (formerly Invitae), Labcorp
Classification: Uncertain significance. Last evaluated: 2022-06-20. Review status: criteria provided, single submitter. Criteria: Invitae Variant Classification Sherloc (09022015). Collection method: clinical testing. Allele origin: germline.
Comment: In summary, the available evidence is currently insufficient to determine the role of this variant in disease. Therefore, it has been classified as a Variant of Uncertain Significance. Variants that disrupt the consensus splice site are a relatively common cause of aberrant splicing (PMID: 17576681, 9536098). Algorithms developed to predict the effect of sequence changes on RNA splicing suggest that this variant may disrupt the consensus splice site. Algorithms developed to predict the effect of missense changes on protein structure and function (SIFT, PolyPhen-2, Align-GVGD) all suggest that this variant is likely to be tolerated. This variant has not been reported in the literature in individuals affected with TTLL5-related conditions. This variant is not present in population databases (gnomAD no frequency). This sequence change replaces arginine, which is basic and polar, with lysine, which is basic and polar, at codon 517 of the TTLL5 protein (p.Arg517Lys). This variant also falls at the last nucleotide of exon 18, which is part of the consensus splice site for this exon.

Literature cited by the submitters: PubMed 17576681; PubMed 9536098.

NM_015072.5(TTLL5):c.1550G>A (p.Arg517Lys)

Gene: TTLL5 (tubulin tyrosine ligase like 5; plus strand). Cytogenetic location: 14q24.3.
Variant type: single nucleotide variant.
Coding change: c.1550G>A on transcript NM_015072.5 (MANE Select); coding-DNA position 1550, G replaced by A.
Protein change: p.Arg517Lys; replaces arginine 517 with lysine.
Molecular consequence: missense variant.
Genome position (GRCh38, 1-based): chr14:75,752,955, G>A. VCF-style: chr14-75752955-G-A. GRCh37 (hg19) VCF-style: chr14-76219298-G-A.
Other names: short protein forms R517K.
Identifiers: ClinVar variation 1468421 (VCV001468421.8), dbSNP rs2140274721, ClinGen allele CA390466054.